The following is an entry in ClinVar:

ClinVar aggregate classification (germline): Pathogenic/Likely pathogenic. Review status: criteria provided, multiple submitters, no conflicts (2 of 4 stars). 2 submissions from 2 submitters: Pathogenic (1); Likely pathogenic (1). Last evaluated 2023-12-13.

Conditions:
Arginase deficiency. Also called: ARGININEMIA; ARG1 DEFICIENCY; Arginase 1 Deficiency. Identifiers: Orphanet 90, MedGen C0268548, MONDO:0008814, OMIM 207800.

Allele frequency attached by ClinVar (database versions not stated): ESP Exome Variant Server 0.00008; TOPMed below 0.00001.

Submissions (2):

Baylor Genetics
Classification: Likely pathogenic for Arginase deficiency. Last evaluated: 2023-12-13. Review status: criteria provided, single submitter. Criteria: ACMG Guidelines, 2015. Collection method: clinical testing. Allele origin: unknown.

Labcorp Genetics (formerly Invitae), Labcorp
Classification: Pathogenic for Arginase deficiency. Last evaluated: 2023-03-22. Review status: criteria provided, single submitter. Criteria: Invitae Variant Classification Sherloc (09022015). Collection method: clinical testing. Allele origin: germline.
Comment: For these reasons, this variant has been classified as Pathogenic. ClinVar contains an entry for this variant (Variation ID: 1075123). This variant has not been reported in the literature in individuals affected with ARG1-related conditions. This variant is not present in population databases (gnomAD no frequency). This sequence change creates a premature translational stop signal (p.Trp164*) in the ARG1 gene. It is expected to result in an absent or disrupted protein product. Loss-of-function variants in ARG1 are known to be pathogenic (PMID: 7649538, 12052859).

Literature cited by the submitters: PubMed 7649538 (cited by Labcorp Genetics (formerly Invitae), Labcorp); PubMed 12052859 (cited by Labcorp Genetics (formerly Invitae), Labcorp).

NM_000045.4(ARG1):c.492G>A (p.Trp164Ter)

Genes: MED23 (mediator complex subunit 23; minus strand), ARG1 (arginase 1; plus strand). Cytogenetic location: 6q23.2.
Variant type: single nucleotide variant.
Coding change: c.492G>A on transcript NM_000045.4 (MANE Select); coding-DNA position 492, G replaced by A.
Protein change: p.Trp164Ter; replaces tryptophan 164 with a stop codon.
Molecular consequence: nonsense. On other transcripts: non-coding transcript variant (1), intron variant (3).
Genome position (GRCh38, 1-based): chr6:131,582,647, G>A. VCF-style: chr6-131582647-G-A. GRCh37 (hg19) VCF-style: chr6-131903787-G-A.
Other names: c.516G>A, p.Trp172Ter (NM_001244438.2); c.306-413G>A (NM_001369020.1); c.4077+5062C>T (NM_001270521.2); c.4095+5062C>T (NM_015979.4); short protein forms W164*, W172*.
Identifiers: ClinVar variation 1075123 (VCV001075123.46), dbSNP rs146625637, ClinGen allele CA147897381.